The following is an entry in ClinVar:

NM_020937.4(FANCM):c.4817T>C (p.Phe1606Ser)

Gene: FANCM (FA complementation group M; plus strand). Cytogenetic location: 14q21.2.
Variant type: single nucleotide variant.
Coding change: c.4817T>C on transcript NM_020937.4 (MANE Select); coding-DNA position 4817, T replaced by C.
Protein change: p.Phe1606Ser; replaces phenylalanine 1606 with serine.
Molecular consequence: missense variant.
Genome position (GRCh38, 1-based): chr14:45,188,839, T>C. VCF-style: chr14-45188839-T-C. GRCh37 (hg19) VCF-style: chr14-45658042-T-C.
Other names: c.4739T>C, p.Phe1580Ser (NM_001308133.2); short protein forms F1580S, F1606S.
Identifiers: ClinVar variation 2716376 (VCV002716376.3), dbSNP rs2503242702, ClinGen allele CA389610910.
Genomic context (GRCh38, chr14:45,188,839, plus strand): 5'-ACATTCTTGTGTTTTTATTGTAGATTCCTGAACAAGATGAAACCTATTTAGAGGATAGTT[T>C]TTGTGTTGATGAAGAGGAGTCTTGCAAAGGCCAATCAAGTGAAGAAGAAGTTTGTGTTGA-3'
Protein context (NP_065988.1, residues 1596-1616): EQDETYLEDS[Phe1606Ser]CVDEEESCKG

ClinVar aggregate classification (germline): Uncertain significance (1 of 4 stars; one submission).

Conditions:
Fanconi anemia (FA). Also called: Fanconi's anemia. Identifiers: Orphanet 84, MedGen C0015625, MeSH D005199, MONDO:0019391.

Submission:

Labcorp Genetics (formerly Invitae), Labcorp
Classification: Uncertain significance for Fanconi anemia. Last evaluated: 2023-01-02. Review status: criteria provided, single submitter. Criteria: Invitae Variant Classification Sherloc (09022015). Collection method: clinical testing. Allele origin: germline.
Comment: This sequence change replaces phenylalanine, which is neutral and non-polar, with serine, which is neutral and polar, at codon 1606 of the FANCM protein (p.Phe1606Ser). This variant is not present in population databases (gnomAD no frequency). This variant has not been reported in the literature in individuals affected with FANCM-related conditions. Algorithms developed to predict the effect of missense changes on protein structure and function are either unavailable or do not agree on the potential impact of this missense change (SIFT: "Tolerated"; PolyPhen-2: "Probably Damaging"; Align-GVGD: "Class C0"). In summary, the available evidence is currently insufficient to determine the role of this variant in disease. Therefore, it has been classified as a Variant of Uncertain Significance.